The following is an entry in ClinVar:

NM_001165963.4(SCN1A):c.3880-2A>G

Genes: SCN1A (sodium voltage-gated channel alpha subunit 1; minus strand), LOC102724058 (uncharacterized LOC102724058; plus strand). Cytogenetic location: 2q24.3.
Variant type: single nucleotide variant.
Coding change: c.3880-2A>G on transcript NM_001165963.4 (MANE Select); the canonical splice acceptor site of the intron before coding-DNA position 3880, A replaced by G.
Molecular consequence: splice acceptor variant.
Genome position (GRCh38, 1-based): chr2:166,009,843, T>C on the plus strand (A>G on the coding strand, the complement: SCN1A is on the minus strand). VCF-style: chr2-166009843-T-C. GRCh37 (hg19) VCF-style: chr2-166866353-T-C.
Other names: c.3847-2A>G (NM_001353949.2, NM_001353950.2, NM_001353951.2 and 2 more transcripts); c.3796-2A>G (NM_001353958.2, NM_001353957.2, NM_001165964.3); c.3880-2A>G (NM_001202435.3, NM_001353948.2); c.3844-2A>G (NM_001353955.2, NM_001353954.2); c.3793-2A>G (NM_001353960.2); c.1438-2A>G (NM_001353961.2).
Identifiers: ClinVar variation 189985 (VCV000189985.2), dbSNP rs794726816, ClinGen allele CA303483.
Genomic context (GRCh38, chr2:166,009,843, plus strand): 5'-TTGATGGCTCCAAGTTCTGAGTAACCCAAGGCATTTGCTGTTAAACTGACCAATGAAACC[T>C]GCACACACAAAAATAATAACAATTAATAAACAGAATCATCATTCAATGTGTAGTTGCTAT-3'

ClinVar aggregate classification (germline): Pathogenic. Review status: criteria provided, multiple submitters, no conflicts (2 of 4 stars). 2 submissions from 2 submitters: Pathogenic (2). Last evaluated 2018-05-08.

Conditions:
Developmental and epileptic encephalopathy. Identifiers: MedGen C5779964, MONDO:0100620.
Severe myoclonic epilepsy in infancy (DRVT). Also called: Epileptic encephalopathy, early infantile, 6 (Dravet syndrome); SEVERE MYOCLONIC EPILEPSY OF INFANCY; DEVELOPMENTAL AND EPILEPTIC ENCEPHALOPATHY 6A; Severe Myoclonic Epilepsy in Infancy (SMEI); Dravet syndrome. Identifiers: Orphanet 33069, MedGen C0751122, MONDO:0100135, OMIM 607208.

Submissions (2):

Labcorp Genetics (formerly Invitae), Labcorp
Classification: Pathogenic for Early infantile epileptic encephalopathy. Last evaluated: 2018-05-08. Review status: criteria provided, single submitter. Criteria: Invitae Variant Classification Sherloc (09022015). Collection method: clinical testing. Allele origin: germline.
Comment: This sequence change affects an acceptor splice site in intron 19 of the SCN1A gene. It is expected to disrupt RNA splicing and likely results in an absent or disrupted protein product. This variant is not present in population databases (ExAC no frequency). This variant has not been reported in the literature in individuals with SCN1A-related disease. ClinVar contains an entry for this variant (Variation ID: 189985). Algorithms developed to predict the effect of sequence changes on RNA splicing suggest that this variant may disrupt the consensus splice site, but this prediction has not been confirmed by published transcriptional studies. Donor and acceptor splice site variants typically lead to a loss of protein function (PMID: 16199547), and loss-of-function variants in SCN1A are known to be pathogenic (PMID: 17347258, 18930999). For these reasons, this variant has been classified as Pathogenic.

Center for Bioinformatics, Peking University
Classification: Pathogenic for Dravet syndrome. Last evaluated: 2014-12-20. Review status: criteria provided, single submitter. Criteria: Xu et al. (Hum Mutat. 2015). Collection method: research. Allele origin: de novo. Affected: yes. Observed: 1 variant allele. Study: University Clinical Cooperation “985 Project” PKU-2014-1-1.
Comment: Dravet syndrome (DS) probands were recruited from the outpatient and inpatient child neurology units of Peking University First Hospital from 2005 till present. The study was approved by the Ethics Committee of Peking University First Hospital and the Institutional Review Board at Peking University. Participants or their parents provided written informed consent before enrollment. We collected a total of 267 mutations from 255 families with probands diagnosed with DS in China. All probands fulfilled the clinical diagnostic criteria.

Literature cited by the submitters: PubMed 18930999 (cited by Labcorp Genetics (formerly Invitae), Labcorp); PubMed 17347258 (cited by Labcorp Genetics (formerly Invitae), Labcorp).